The following is an entry in ClinVar:

ClinVar aggregate classification (germline): Uncertain significance (1 of 4 stars; one submission).

gnomAD v4.1: 2 of 1,614,034 alleles (0.00012%); highest among the groups gnomAD compares: Admixed American, 0.0033%; no homozygotes.

Submission:

Illumina Laboratory Services, Illumina
Classification: Uncertain significance. Last evaluated: 2018-11-26. Review status: criteria provided, single submitter. Criteria: ICSLVariantClassificationCriteria RUGD 01 April 2020. Collection method: clinical testing. Allele origin: unknown.
Comment: The AQP11 c.472C>T (p.Pro158Ser) variant is a missense variant. A literature search was performed for the gene, cDNA change, and amino acid change. No publications were found through this search. This variant is not reported Genome Aggregation Database despite its location in a region of good sequencing coverage, which suggests the variant is rare. Multiple lines of computational evidence suggest this variant may impact protein function, though this has not been confirmed experimentally. Based on the available evidence, the p.Pro158Ser variant is classified as a variant of uncertain significance.

NM_173039.3(AQP11):c.472C>T (p.Pro158Ser)

Gene: AQP11 (aquaporin 11; plus strand). Cytogenetic location: 11q14.1.
Variant type: single nucleotide variant.
Coding change: c.472C>T on transcript NM_173039.3 (MANE Select); coding-DNA position 472, C replaced by T.
Protein change: p.Pro158Ser; replaces proline 158 with serine.
Molecular consequence: missense variant.
Genome position (GRCh38, 1-based): chr11:77,590,464, C>T. VCF-style: chr11-77590464-C-T. GRCh37 (hg19) VCF-style: chr11-77301509-C-T.
Other names: c.472C>T, p.Pro158Ser (NM_001363477.2); short protein forms P158S.
Identifiers: ClinVar variation 1299439 (VCV001299439.4), dbSNP rs1320262703, ClinGen allele CA382178994.
Genomic context (GRCh38, chr11:77,590,464, plus strand): 5'-TTGTGGAGCTTGGGTCTGACCCAGTATCACGTCAGCGAGAGGAGCTTCGCTTGCAAGAAT[C>T]CCATCCGAGTCGACTTGCTCAAAGCGGTCATCACAGAGGCCGTCTGCTCCTTTCTCTTCC-3'
Protein context (NP_766627.1, residues 148-168): VSERSFACKN[Pro158Ser]IRVDLLKAVI